The following is an entry in ClinVar:

ClinVar aggregate classification (germline): Uncertain significance (1 of 4 stars; one submission).

Allele frequency attached by ClinVar (database versions not stated): gnomAD exomes below 0.00001; gnomAD 0.00001.

Submission:

Labcorp Genetics (formerly Invitae), Labcorp
Classification: Uncertain significance. Last evaluated: 2022-10-13. Review status: criteria provided, single submitter. Criteria: Invitae Variant Classification Sherloc (09022015). Collection method: clinical testing. Allele origin: germline.
Comment: This sequence change replaces histidine, which is basic and polar, with arginine, which is basic and polar, at codon 462 of the CLCC1 protein (p.His462Arg). This variant is not present in population databases (gnomAD no frequency). This variant has not been reported in the literature in individuals affected with CLCC1-related conditions. ClinVar contains an entry for this variant (Variation ID: 957943). Algorithms developed to predict the effect of missense changes on protein structure and function output the following: SIFT: "Tolerated"; PolyPhen-2: "Benign"; Align-GVGD: "Class C0". The arginine amino acid residue is found in multiple mammalian species, which suggests that this missense change does not adversely affect protein function. In summary, the available evidence is currently insufficient to determine the role of this variant in disease. Therefore, it has been classified as a Variant of Uncertain Significance.

NM_001377458.1(CLCC1):c.1385A>G (p.His462Arg)

Gene: CLCC1 (chloride channel CLIC like 1; minus strand). Cytogenetic location: 1p13.3.
Variant type: single nucleotide variant.
Coding change: c.1385A>G on transcript NM_001377458.1 (MANE Select); coding-DNA position 1385, A replaced by G.
Protein change: p.His462Arg; replaces histidine 462 with arginine.
Molecular consequence: missense variant. On other transcripts: non-coding transcript variant (1).
Genome position (GRCh38, 1-based): chr1:108,934,941, T>C on the plus strand (A>G on the coding strand, the complement: CLCC1 is on the minus strand). VCF-style: chr1-108934941-T-C. GRCh37 (hg19) VCF-style: chr1-109477563-T-C.
Other names: c.1385A>G, p.His462Arg (NM_001048210.3, NM_001377459.1, NM_001377460.1 and 8 more transcripts); c.1022A>G, p.His341Arg (NM_001278202.2); c.830A>G, p.His277Arg (NM_001278203.1); c.1283A>G, p.His428Arg (NM_001377469.1); c.1094A>G, p.His365Arg (NM_001377470.1); c.1235A>G, p.His412Arg (NM_015127.5); short protein forms H277R, H462R, H412R, H365R, H428R, H341R.
Identifiers: ClinVar variation 957943 (VCV000957943.7), dbSNP rs1652659678, ClinGen allele CA341456374.